The following is an entry in ClinVar:

NM_176824.3(BBS7):c.1699T>A (p.Ser567Thr)

Gene: BBS7 (Bardet-Biedl syndrome 7; minus strand). Cytogenetic location: 4q27.
Variant type: single nucleotide variant.
Coding change: c.1699T>A on transcript NM_176824.3 (MANE Select); coding-DNA position 1699, T replaced by A.
Protein change: p.Ser567Thr; replaces serine 567 with threonine.
Molecular consequence: missense variant.
Genome position (GRCh38, 1-based): chr4:121,828,706, A>T on the plus strand (T>A on the coding strand, the complement: BBS7 is on the minus strand). VCF-style: chr4-121828706-A-T. GRCh37 (hg19) VCF-style: chr4-122749861-A-T.
Other names: c.1699T>A, p.Ser567Thr (NM_018190.4); short protein forms S567T.
Identifiers: ClinVar variation 4986385 (VCV004986385.1).
Genomic context (GRCh38, chr4:121,828,706, plus strand): 5'-TTTTTGTAGCTTCTTTAGAAAGCACATCTTTTAGGATGGAGATAGTAGAAATGTTGTCAG[A>T]TTTAAAAACTCCCTCTCCTTTTCTATAAAATTAATATATTTTTTAAAAGAATAGCTGTAG-3'
Protein context (NP_789794.1, residues 557-577): TYRKGEGVFK[Ser567Thr]DNISTISILK

ClinVar aggregate classification (germline): Uncertain significance (1 of 4 stars; one submission).

Conditions:
BBS7-related disorder. Also called: BBS7-related condition.

Submission:

PreventionGenetics, part of Exact Sciences
Classification: Uncertain significance for BBS7-related condition. Last evaluated: 2025-01-03. Review status: criteria provided, single submitter. Criteria: ACMG Guidelines, 2015. Collection method: clinical testing. Allele origin: germline.
Comment: The BBS7 c.1699T>A variant is predicted to result in the amino acid substitution p.Ser567Thr. To our knowledge, this variant has not been reported in the literature or in a large population database (gnomAD), indicating this variant is rare. At this time, the clinical significance of this variant is uncertain due to the absence of conclusive functional and genetic evidence.